The following is an entry in ClinVar:

ClinVar aggregate classification (germline): Uncertain significance (1 of 4 stars; one submission).

Submission:

Labcorp Genetics (formerly Invitae), Labcorp
Classification: Uncertain significance. Last evaluated: 2026-01-22. Review status: criteria provided, single submitter. Criteria: Invitae Variant Classification Sherloc (09022015). Collection method: clinical testing. Allele origin: germline.
Comment: This sequence change replaces aspartic acid, which is acidic and polar, with valine, which is neutral and non-polar, at codon 918 of the CDH23 protein (p.Asp918Val). This variant is not present in population databases (gnomAD no frequency). This variant has not been reported in the literature in individuals affected with CDH23-related conditions. ClinVar contains an entry for this variant (Variation ID: 2848131). Invitae Evidence Modeling of protein sequence and biophysical properties (such as structural, functional, and spatial information, amino acid conservation, physicochemical variation, residue mobility, and thermodynamic stability) has been performed for this missense variant. However, the output from this modeling did not meet the statistical confidence thresholds required to predict the impact of this variant on CDH23 protein function. This variant disrupts the p.Asp918 amino acid residue in CDH23. Other variant(s) that disrupt this residue have been determined to be pathogenic (PMID: 24416283, 32860223, 33316915). This suggests that this residue is clinically significant, and that variants that disrupt this residue are likely to be disease-causing. In summary, the available evidence is currently insufficient to determine the role of this variant in disease. Therefore, it has been classified as a Variant of Uncertain Significance.

Literature cited by the submitters: PubMed 24416283; PubMed 32860223; PubMed 33316915.

NM_022124.6(CDH23):c.2753A>T (p.Asp918Val)

Gene: CDH23 (cadherin related 23; plus strand). Cytogenetic location: 10q22.1.
Variant type: single nucleotide variant.
Coding change: c.2753A>T on transcript NM_022124.6 (MANE Select); coding-DNA position 2753, A replaced by T.
Protein change: p.Asp918Val; replaces aspartic acid 918 with valine.
Molecular consequence: missense variant.
Genome position (GRCh38, 1-based): chr10:71,704,930, A>T. VCF-style: chr10-71704930-A-T. GRCh37 (hg19) VCF-style: chr10-73464687-A-T.
Other names: c.2753A>T, p.Asp918Val (NM_001171930.2, NM_001171931.2); short protein forms D918V.
Identifiers: ClinVar variation 2848131 (VCV002848131.3), dbSNP rs1865721544, ClinGen allele CA377139467.